The following is an entry in ClinVar:

NM_001098511.3(KIF2A):c.2146C>T (p.Arg716Trp)

Gene: KIF2A (kinesin family member 2A; plus strand). Cytogenetic location: 5q12.1.
Variant type: single nucleotide variant.
Coding change: c.2146C>T on transcript NM_001098511.3 (MANE Select); coding-DNA position 2146, C replaced by T.
Protein change: p.Arg716Trp; replaces arginine 716 with tryptophan.
Molecular consequence: missense variant.
Genome position (GRCh38, 1-based): chr5:62,381,250, C>T. VCF-style: chr5-62381250-C-T. GRCh37 (hg19) VCF-style: chr5-61677077-C-T.
Other names: c.1951C>T, p.Arg651Trp (NM_001243952.2); c.1975C>T, p.Arg659Trp (NM_001243953.2); c.2032C>T, p.Arg678Trp (NM_004520.5); c.2146C>T (NM_001098511.2); short protein forms R651W, R716W, R659W, R678W.
Identifiers: ClinVar variation 1490848 (VCV001490848.9), dbSNP rs771712968, ClinGen allele CA3279115.
Genomic context (GRCh38, chr5:62,381,250, plus strand): 5'-TCATATGCTACACAACTTGAAGCTATTCTTGAGCAAAAAATAGACATTTTAACTGAACTG[C>T]GGGGTAATTCTTTTTCCATTTTAATGTTTGAAATCTGATTGGTATTGGTATGTATATTGG-3'
Protein context (NP_001091981.1, residues 706-726): EQKIDILTEL[Arg716Trp]DKVKSFRAAL

ClinVar aggregate classification (germline): Conflicting classifications of pathogenicity. Review status: criteria provided, conflicting classifications (1 of 4 stars). 3 submissions from 3 submitters: Uncertain significance (2); Likely benign (1). Last evaluated 2025-07-08.

Conditions:
Inborn genetic diseases. Identifiers: MedGen C0950123, MeSH D030342.

Allele frequency attached by ClinVar (database versions not stated): TOPMed below 0.00001; ExAC 0.00001; gnomAD 0.00001.
gnomAD v4.1: 9 of 1,611,266 alleles (0.00056%); highest among the groups gnomAD compares: African/African-American, 0.0013%; no homozygotes.

Submissions (3):

Labcorp Genetics (formerly Invitae), Labcorp
Classification: Likely benign. Last evaluated: 2025-07-08. Review status: criteria provided, single submitter. Criteria: Invitae Variant Classification Sherloc (09022015). Collection method: clinical testing. Allele origin: germline.

Ambry Genetics
Classification: Uncertain significance for Inborn genetic diseases. Last evaluated: 2025-04-08. Review status: criteria provided, single submitter. Criteria: Ambry Variant Classification Scheme 2023. Collection method: clinical testing. Allele origin: germline.

Women's Health and Genetics/Laboratory Corporation of America, LabCorp
Classification: Uncertain significance. Last evaluated: 2024-02-02. Review status: criteria provided, single submitter. Criteria: LabCorp Variant Classification Summary - May 2015. Collection method: clinical testing. Allele origin: germline.
Comment: Variant summary: KIF2A c.2146C>T (p.Arg716Trp) results in a non-conservative amino acid change in the encoded protein sequence. Three of five in-silico tools predict a benign effect of the variant on protein function. The variant allele was found at a frequency of 8e-06 in 250558 control chromosomes. The available data on variant occurrences in the general population are insufficient to allow any conclusion about variant significance. To our knowledge, no occurrence of c.2146C>T in individuals affected with Complex Cortical Dysplasia With Other Brain Malformations 3 and no experimental evidence demonstrating its impact on protein function have been reported. ClinVar contains an entry for this variant (Variation ID: 1490848). Based on the evidence outlined above, the variant was classified as uncertain significance.